The following is an entry in ClinVar:

ClinVar aggregate classification (germline): Uncertain significance (1 of 4 stars; one submission).

Conditions:
Werner syndrome (WRN). Identifiers: Orphanet 902, MedGen C0043119, MONDO:0010196, OMIM 277700.

Submission:

Labcorp Genetics (formerly Invitae), Labcorp
Classification: Uncertain significance for Werner syndrome. Last evaluated: 2024-08-17. Review status: criteria provided, single submitter. Criteria: Invitae Variant Classification Sherloc (09022015). Collection method: clinical testing. Allele origin: germline.
Comment: This sequence change replaces methionine, which is neutral and non-polar, with isoleucine, which is neutral and non-polar, at codon 650 of the WRN protein (p.Met650Ile). This variant is not present in population databases (gnomAD no frequency). This variant has not been reported in the literature in individuals affected with WRN-related conditions. An algorithm developed to predict the effect of missense changes on protein structure and function outputs the following: PolyPhen-2: "Benign". The isoleucine amino acid residue is found in multiple mammalian species, which suggests that this missense change does not adversely affect protein function. In summary, the available evidence is currently insufficient to determine the role of this variant in disease. Therefore, it has been classified as a Variant of Uncertain Significance.

NM_000553.6(WRN):c.1950G>C (p.Met650Ile)

Gene: WRN (WRN RecQ like helicase; plus strand). Cytogenetic location: 8p12.
Variant type: single nucleotide variant.
Coding change: c.1950G>C on transcript NM_000553.6 (MANE Select); coding-DNA position 1950, G replaced by C.
Protein change: p.Met650Ile; replaces methionine 650 with isoleucine.
Molecular consequence: missense variant.
Genome position (GRCh38, 1-based): chr8:31,096,819, G>C. VCF-style: chr8-31096819-G-C. GRCh37 (hg19) VCF-style: chr8-30954335-G-C.
Other names: short protein forms M650I.
Identifiers: ClinVar variation 3662689 (VCV003662689.2).